The following is an entry in ClinVar:

NM_004447.6(EPS8):c.1106T>C (p.Val369Ala)

Gene: EPS8 (EGFR pathway substrate 8, signaling adaptor; minus strand). Cytogenetic location: 12p12.3.
Variant type: single nucleotide variant.
Coding change: c.1106T>C on transcript NM_004447.6 (MANE Select); coding-DNA position 1106, T replaced by C.
Protein change: p.Val369Ala; replaces valine 369 with alanine.
Molecular consequence: missense variant.
Genome position (GRCh38, 1-based): chr12:15,654,289, A>G on the plus strand (T>C on the coding strand, the complement: EPS8 is on the minus strand). VCF-style: chr12-15654289-A-G. GRCh37 (hg19) VCF-style: chr12-15807223-A-G.
Other names: c.1106T>C (NM_004447.5); short protein forms V369A.
Identifiers: ClinVar variation 1504196 (VCV001504196.7), dbSNP rs769739145, ClinGen allele CA6467655.
Genomic context (GRCh38, chr12:15,654,289, plus strand): 5'-TCCTTATTCAATAGGGGACTAAGTACTGAACTGGCTAGTTCAGGACCTCCTGTTGCCTGC[A>G]CCACCTAAGATAATAAACCATTTTTTAGCAAGAAGATTACTATTCTTTGTGTATTTTCAA-3'
Protein context (NP_004438.3, residues 359-379): HFLFTPLNMV[Val369Ala]QATGGPELAS

ClinVar aggregate classification (germline): Uncertain significance. Review status: criteria provided, multiple submitters, no conflicts (2 of 4 stars). 3 submissions from 3 submitters: Uncertain significance (3). Last evaluated 2025-08-12.

Conditions:
Inborn genetic diseases. Identifiers: MedGen C0950123, MeSH D030342.

Allele frequency attached by ClinVar (database versions not stated): gnomAD exomes 0.00001 and 0.00006; ExAC 0.00003; gnomAD 0.00003; TOPMed 0.00003.
gnomAD v4.1: 90 of 1,612,900 alleles (0.0056%); highest among the groups gnomAD compares: Non-Finnish European, 0.0075%; no homozygotes.

Submissions (3):

Ambry Genetics
Classification: Uncertain significance for Inborn genetic diseases. Last evaluated: 2025-08-12. Review status: criteria provided, single submitter. Criteria: Ambry Variant Classification Scheme 2023. Collection method: clinical testing. Allele origin: germline.

GeneDx
Classification: Uncertain significance. Last evaluated: 2024-01-08. Review status: criteria provided, single submitter. Criteria: GeneDx Variant Classification Process June 2021. Collection method: clinical testing. Allele origin: germline. Affected: yes.
Comment: Not observed at significant frequency in large population cohorts (gnomAD); In silico analysis supports that this missense variant has a deleterious effect on protein structure/function; Has not been previously published as pathogenic or benign to our knowledge

Labcorp Genetics (formerly Invitae), Labcorp
Classification: Uncertain significance. Last evaluated: 2022-07-19. Review status: criteria provided, single submitter. Criteria: Invitae Variant Classification Sherloc (09022015). Collection method: clinical testing. Allele origin: germline.
Comment: In summary, the available evidence is currently insufficient to determine the role of this variant in disease. Therefore, it has been classified as a Variant of Uncertain Significance. Algorithms developed to predict the effect of missense changes on protein structure and function are either unavailable or do not agree on the potential impact of this missense change (SIFT: "Deleterious"; PolyPhen-2: "Benign"; Align-GVGD: "Class C25"). ClinVar contains an entry for this variant (Variation ID: 1504196). This variant has not been reported in the literature in individuals affected with EPS8-related conditions. This variant is present in population databases (rs769739145, gnomAD 0.003%). This sequence change replaces valine, which is neutral and non-polar, with alanine, which is neutral and non-polar, at codon 369 of the EPS8 protein (p.Val369Ala).